The following is an entry in ClinVar:

ClinVar aggregate classification (germline): Uncertain significance (1 of 4 stars; one submission).

Conditions:
Amelocerebrohypohidrotic syndrome (KTZS). Also called: KOHLSCHUTTER SYNDROME; Kohlschutter's syndrome; EPILEPSY AND YELLOW TEETH; EPILEPSY, DEMENTIA, AND AMELOGENESIS IMPERFECTA. Identifiers: Orphanet 1946, MedGen C0406740, MONDO:0009185, OMIM 226750.

Submission:

Labcorp Genetics (formerly Invitae), Labcorp
Classification: Uncertain significance for Amelocerebrohypohidrotic syndrome. Last evaluated: 2023-12-06. Review status: criteria provided, single submitter. Criteria: Invitae Variant Classification Sherloc (09022015). Collection method: clinical testing. Allele origin: germline.
Comment: This sequence change replaces aspartic acid, which is acidic and polar, with glutamic acid, which is acidic and polar, at codon 273 of the ROGDI protein (p.Asp273Glu). This variant is present in population databases (no rsID available, gnomAD 0.006%). This variant has not been reported in the literature in individuals affected with ROGDI-related conditions. ClinVar contains an entry for this variant (Variation ID: 461617). An algorithm developed to predict the effect of missense changes on protein structure and function (PolyPhen-2) suggests that this variant is likely to be disruptive. In summary, the available evidence is currently insufficient to determine the role of this variant in disease. Therefore, it has been classified as a Variant of Uncertain Significance.

NM_024589.3(ROGDI):c.819C>G (p.Asp273Glu)

Gene: ROGDI (rogdi atypical leucine zipper; minus strand). Cytogenetic location: 16p13.3.
Variant type: single nucleotide variant.
Coding change: c.819C>G on transcript NM_024589.3 (MANE Select); coding-DNA position 819, C replaced by G.
Protein change: p.Asp273Glu; replaces aspartic acid 273 with glutamic acid.
Molecular consequence: missense variant. On other transcripts: non-coding transcript variant (1).
Genome position (GRCh38, 1-based): chr16:4,797,717, G>C on the plus strand (C>G on the coding strand, the complement: ROGDI is on the minus strand). VCF-style: chr16-4797717-G-C. GRCh37 (hg19) VCF-style: chr16-4847718-G-C.
Other names: short protein forms D273E.
Identifiers: ClinVar variation 461617 (VCV000461617.6), dbSNP rs762853362, ClinGen allele CA394648442.